The following is an entry in ClinVar:

ClinVar aggregate classification (germline): Likely benign. Review status: criteria provided, multiple submitters, no conflicts (2 of 4 stars). 2 submissions from 2 submitters: Likely benign (2). Last evaluated 2023-04-13.

Conditions:
Marfan syndrome (MFS). Also called: MARFAN SYNDROME, TYPE I; Marfan syndrome type 1; Marfan's syndrome; Marfan syndrome, classic; FBN1-Related Marfan Syndrome. Identifiers: Orphanet 284963, Orphanet 558, MedGen C0024796, MONDO:0007947, OMIM 154700.
Familial thoracic aortic aneurysm and aortic dissection (TAAD). Also called: Thoracic aortic aneurysms and dissections. Identifiers: Orphanet 91387, MedGen C4707243, MONDO:0019625.

Submissions (2):

Labcorp Genetics (formerly Invitae), Labcorp
Classification: Likely benign for Marfan syndrome; Familial thoracic aortic aneurysm and aortic dissection. Last evaluated: 2023-04-13. Review status: criteria provided, single submitter. Criteria: Invitae Variant Classification Sherloc (09022015). Collection method: clinical testing. Allele origin: germline.

All of Us Research Program, National Institutes of Health
Classification: Likely benign for Marfan syndrome. Last evaluated: 2023-02-24. Review status: criteria provided, single submitter. Criteria: ACMG Guidelines, 2015. Collection method: clinical testing. Allele origin: germline. Inheritance: Autosomal dominant inheritance. Observed: 1 variant allele, 1 heterozygote.
Comment: This study involves interpretation of variants in research participants for the purpose of population health screening. Participant phenotype was not available at the time of variant classification. Additional details can be found in publication PMID: 35346344, PMCID: PMC8962531

NM_000138.5(FBN1):c.2114-7A>G

Gene: FBN1 (fibrillin 1; minus strand). Cytogenetic location: 15q21.1.
Variant type: single nucleotide variant.
Coding change: c.2114-7A>G on transcript NM_000138.5 (MANE Select); 7 bases into the intron before coding-DNA position 2114, A replaced by G.
Molecular consequence: intron variant.
Genome position (GRCh38, 1-based): chr15:48,499,045, T>C on the plus strand (A>G on the coding strand, the complement: FBN1 is on the minus strand). VCF-style: chr15-48499045-T-C. GRCh37 (hg19) VCF-style: chr15-48791242-T-C.
Other names: c.2114-7A>G (NM_001406716.1).
Identifiers: ClinVar variation 2936318 (VCV002936318.4), dbSNP rs2505580530, ClinGen allele CA2740096670.